The following is an entry in ClinVar:

NM_001844.5(COL2A1):c.2464-2A>T

Gene: COL2A1 (collagen type II alpha 1 chain; minus strand). Cytogenetic location: 12q13.11.
Variant type: single nucleotide variant.
Coding change: c.2464-2A>T on transcript NM_001844.5 (MANE Select); the canonical splice acceptor site of the intron before coding-DNA position 2464, A replaced by T.
Molecular consequence: splice acceptor variant.
Genome position (GRCh38, 1-based): chr12:47,980,970, T>A on the plus strand (A>T on the coding strand, the complement: COL2A1 is on the minus strand). VCF-style: chr12-47980970-T-A. GRCh37 (hg19) VCF-style: chr12-48374753-T-A.
Other names: c.2257-2A>T (NM_033150.3).
Identifiers: ClinVar variation 4796517 (VCV004796517.1).

ClinVar aggregate classification (germline): Likely pathogenic (1 of 4 stars; one submission).

Conditions:
Kniest dysplasia. Identifiers: Orphanet 485, MedGen C0265279, MONDO:0007987, OMIM 156550.
Spondyloepiphyseal dysplasia, Stanescu type. Also called: SED, STANESCU TYPE; SPONDYLOEPIMETAPHYSEAL DYSPLASIA, STANESCU TYPE. Identifiers: Orphanet 459051, MedGen C4225273, MONDO:0014701, OMIM 616583.
Spondyloepiphyseal dysplasia with metatarsal shortening. Also called: Pseudorheumatoid dysplasia progressive, with hypoplastic toes; CZECH DYSPLASIA, METATARSAL TYPE; SPONDYLOEPIPHYSEAL DYSPLASIA WITH PRECOCIOUS OSTEOARTHRITIS. Identifiers: Orphanet 137678, MedGen C1836683, MONDO:0012206, OMIM 609162.
Legg-Calve-Perthes disease. Also called: Avascular necrosis of the capital femoral epiphysis; PERTHES DISEASE; Osteochondritis deformans; Coxa plana. Identifiers: Orphanet 2380, MedGen C1442965, MONDO:0007885, OMIM 150600, HP:0005743.
Multiple epiphyseal dysplasia, Beighton type. Identifiers: Orphanet 166011, MedGen C1851536, MONDO:0007562, OMIM 132450.
Spondyloepiphyseal dysplasia congenita (SEDC). Also called: SED CONGENITA; SPONDYLOEPIPHYSEAL DYSPLASIA, CONGENITAL TYPE. Identifiers: Orphanet 94068, MedGen C2745959, MONDO:0008471, OMIM 183900.
Stickler syndrome, type I, nonsyndromic ocular. Also called: STICKLER SYNDROME, TYPE I, PREDOMINANTLY OCULAR; STICKLER SYNDROME, ATYPICAL. Identifiers: MedGen C1836080, MONDO:0012287, OMIM 609508.
Achondrogenesis type II (ACG2). Also called: ACHONDROGENESIS, LANGER-SALDINO TYPE; CHONDROGENESIS IMPERFECTA. Identifiers: Orphanet 932, Orphanet 93296, MedGen C0220685, MONDO:0008702, OMIM 200610.
Avascular necrosis of femoral head, primary, 1 (ANFH1). Also called: Avascular necrosis of femoral head, primary. Identifiers: Orphanet 86820, MedGen C4551562, MONDO:0054550, OMIM 608805.
Spondyloperipheral dysplasia. Also called: SPONDYLOPERIPHERAL DYSPLASIA WITH SHORT ULNA; Spondyloperipheral dysplasia-short ulna syndrome. Identifiers: Orphanet 1856, MedGen C0796173, MONDO:0010078, OMIM 271700.
Spondylometaphyseal dysplasia, Schmidt type (SMDALG). Also called: SPONDYLOMETAPHYSEAL DYSPLASIA, ALGERIAN TYPE; SPONDYLOMETAPHYSEAL DYSPLASIA WITH SEVERE GENU VALGUM. Identifiers: Orphanet 93316, MedGen C1866688, MONDO:0008478, OMIM 184253.
Stickler syndrome type 1 (STL1). Also called: ARTHROOPHTHALMOPATHY, HEREDITARY PROGRESSIVE; STICKLER SYNDROME, MEMBRANOUS VITREOUS TYPE; STICKLER SYNDROME, VITREOUS TYPE 1; COL2A1-Related Stickler Syndrome. Identifiers: Orphanet 828, Orphanet 90653, MedGen C2020284, MONDO:0007160, OMIM 108300.
Spondyloepimetaphyseal dysplasia, Strudwick type (SEMDSTWK). Also called: DAPPLED METAPHYSIS SYNDROME; STRUDWICK SYNDROME. Identifiers: Orphanet 93346, MedGen C0700635, MONDO:0008476, OMIM 184250.
Vitreoretinopathy with phalangeal epiphyseal dysplasia (VPED). Identifiers: MedGen C1852989, MONDO:0031001, OMIM 619248.
Platyspondylic dysplasia, Torrance type (PLSDT). Identifiers: Orphanet 85166, MedGen C1835437, MONDO:0007895, OMIM 151210.
Namaqualand hip dysplasia (OSCDP). Also called: Mild spondyloepiphyseal dysplasia due to COL2A1 mutation with early-onset osteoarthritis. Identifiers: Orphanet 93279, MedGen C0432214, MONDO:0011496, OMIM 604864.

Submission:

Juno Genomics, Hangzhou Juno Genomics, Inc
Classification: Likely pathogenic for Spondyloepiphyseal dysplasia, Stanescu type; Spondyloperipheral dysplasia; Stickler syndrome type 1; Stickler syndrome, type I, nonsyndromic ocular; Spondylometaphyseal dysplasia, Schmidt type; Multiple epiphyseal dysplasia, Beighton type; Vitreoretinopathy with phalangeal epiphyseal dysplasia; Achondrogenesis type II; Avascular necrosis of femoral head, primary, 1; Spondyloepiphyseal dysplasia with metatarsal shortening; Kniest dysplasia; Legg-Calve-Perthes disease; Namaqualand hip dysplasia; Platyspondylic dysplasia, Torrance type; Spondyloepiphyseal dysplasia congenita; Spondyloepimetaphyseal dysplasia, Strudwick type. Review status: criteria provided, single submitter. Criteria: ACMG Guidelines, 2015. Collection method: clinical testing. Allele origin: germline. Affected: yes.
Comment: Absent from controls (or at extremely low frequency if recessive) in Genome Aggregation Database, Exome Sequencing Project, 1000 Genomes Project, or Exome Aggregation Consortium.;De novo (both maternity and paternity confirmed) in a patient with the disease and no family history.;Null variant in a gene where loss of function (LOF) is a known mechanism of disease.;Patient's phenotype or family history is highly specific for a disease with a single genetic etiology.